The following is an entry in ClinVar:

ClinVar aggregate classification (germline): Uncertain significance (1 of 4 stars; one submission).

Conditions:
Asphyxiating thoracic dystrophy 5 (SRTD5). Also called: SHORT-RIB THORACIC DYSPLASIA 5 WITH OR WITHOUT POLYDACTYLY; SHORT-RIB THORACIC DYSPLASIA 5 WITHOUT POLYDACTYLY. Identifiers: Orphanet 474, MedGen C3280598, MONDO:0013717, OMIM 614376.
Senior-Loken syndrome 8 (SLSN8). Identifiers: Orphanet 3156, MedGen C4225376, MONDO:0014579, OMIM 616307.

Allele frequency attached by ClinVar (database versions not stated): gnomAD exomes below 0.00001.
gnomAD v4.1: 2 of 1,610,878 alleles (0.00012%); highest among the groups gnomAD compares: African/African-American, 0.0027%; no homozygotes.

Submission:

Labcorp Genetics (formerly Invitae), Labcorp
Classification: Uncertain significance for Senior-Loken syndrome 8; Asphyxiating thoracic dystrophy 5. Last evaluated: 2020-11-11. Review status: criteria provided, single submitter. Criteria: Invitae Variant Classification Sherloc (09022015). Collection method: clinical testing. Allele origin: germline.
Comment: In summary, the available evidence is currently insufficient to determine the role of this variant in disease. Therefore, it has been classified as a Variant of Uncertain Significance. Algorithms developed to predict the effect of missense changes on protein structure and function are either unavailable or do not agree on the potential impact of this missense change (SIFT: "Deleterious"; PolyPhen-2: "Benign"; Align-GVGD: "Class C15"). This variant has not been reported in the literature in individuals with WDR19-related conditions. This variant is not present in population databases (ExAC no frequency). This sequence change replaces lysine with glutamic acid at codon 588 of the WDR19 protein (p.Lys588Glu). The lysine residue is highly conserved and there is a small physicochemical difference between lysine and glutamic acid.

NM_025132.4(WDR19):c.1762A>G (p.Lys588Glu)

Gene: WDR19 (WD repeat domain 19; plus strand). Cytogenetic location: 4p14.
Variant type: single nucleotide variant.
Coding change: c.1762A>G on transcript NM_025132.4 (MANE Select); coding-DNA position 1762, A replaced by G.
Protein change: p.Lys588Glu; replaces lysine 588 with glutamic acid.
Molecular consequence: missense variant.
Genome position (GRCh38, 1-based): chr4:39,228,342, A>G. VCF-style: chr4-39228342-A-G. GRCh37 (hg19) VCF-style: chr4-39229962-A-G.
Other names: c.1282A>G, p.Lys428Glu (NM_001317924.2); short protein forms K588E, K428E.
Identifiers: ClinVar variation 1354450 (VCV001354450.8), dbSNP rs1469699848, ClinGen allele CA356632851.